The following is an entry in ClinVar:

ClinVar aggregate classification (germline): Uncertain significance (1 of 4 stars; one submission).

Conditions:
Deficiency of aromatic-L-amino-acid decarboxylase. Also called: Aromatic L-Amino Acid Decarboxylase Deficiency; AADC DEFICIENCY; DDC DEFICIENCY; DOPA DECARBOXYLASE DEFICIENCY; Aromatic amino acid decarboxylase deficiency. Identifiers: Orphanet 35708, MedGen C1291564, MONDO:0012084, OMIM 608643.

Submission:

Labcorp Genetics (formerly Invitae), Labcorp
Classification: Uncertain significance for Deficiency of aromatic-L-amino-acid decarboxylase. Last evaluated: 2021-08-22. Review status: criteria provided, single submitter. Criteria: Invitae Variant Classification Sherloc (09022015). Collection method: clinical testing. Allele origin: germline.
Comment: This sequence change replaces glutamic acid with glycine at codon 196 of the DDC protein (p.Glu196Gly). The glutamic acid residue is highly conserved and there is a moderate physicochemical difference between glutamic acid and glycine. In summary, the available evidence is currently insufficient to determine the role of this variant in disease. Therefore, it has been classified as a Variant of Uncertain Significance. Algorithms developed to predict the effect of missense changes on protein structure and function are either unavailable or do not agree on the potential impact of this missense change (SIFT: "Deleterious"; PolyPhen-2: "Benign"; Align-GVGD: "Class C65"). This variant has not been reported in the literature in individuals with DDC-related conditions. This variant is not present in population databases (ExAC no frequency).

NM_001082971.2(DDC):c.587A>G (p.Glu196Gly)

Gene: DDC (dopa decarboxylase; minus strand). Cytogenetic location: 7p12.1.
Variant type: single nucleotide variant.
Coding change: c.587A>G on transcript NM_001082971.2 (MANE Select); coding-DNA position 587, A replaced by G.
Protein change: p.Glu196Gly; replaces glutamic acid 196 with glycine.
Molecular consequence: missense variant. On other transcripts: intron variant (2).
Genome position (GRCh38, 1-based): chr7:50,528,264, T>C on the plus strand (A>G on the coding strand, the complement: DDC is on the minus strand). VCF-style: chr7-50528264-T-C. GRCh37 (hg19) VCF-style: chr7-50595962-T-C.
Other names: c.587A>G, p.Glu196Gly (NM_000790.4, NM_001242890.2); c.473A>G, p.Glu158Gly (NM_001242886.2); c.353A>G, p.Glu118Gly (NM_001242888.2); c.435+9596A>G (NM_001242889.2); c.570+944A>G (NM_001242887.2); short protein forms E158G, E118G, E196G.
Identifiers: ClinVar variation 1394331 (VCV001394331.7), dbSNP rs2153545667, ClinGen allele CA367526202.